The following is an entry in ClinVar:

ClinVar aggregate classification (germline): Uncertain significance (1 of 4 stars; one submission).

Conditions:
LZTFL1-related disorder. Also called: LZTFL1-related condition.

Submission:

PreventionGenetics, part of Exact Sciences
Classification: Uncertain significance for LZTFL1-related condition. Last evaluated: 2025-09-06. Review status: criteria provided, single submitter. Criteria: ACMG Guidelines, 2015. Collection method: clinical testing. Allele origin: germline.
Comment: The LZTFL1 c.1A>G variant is predicted to disrupt the translation initiation site (Start Loss). This variant is pre-coding in the canonical LZTFL1 transcript (NM_020347:c.-71155A>G). To our knowledge, this variant has not been reported in the literature or in a large population database (gnomAD), indicating this variant is rare. At this time, the clinical significance of this variant is uncertain due to the absence of conclusive functional and genetic evidence.

NM_001276379.2(LZTFL1):c.1A>G (p.Met1Val)

Gene: LZTFL1 (leucine zipper transcription factor like 1; minus strand). Cytogenetic location: 3p21.31.
Variant type: single nucleotide variant.
Coding change: c.1A>G on transcript NM_001276379.2; coding-DNA position 1, A replaced by G.
Protein change: p.Met1Val; changes the start codon (methionine 1).
Molecular consequence: missense variant, initiator codon variant. On other transcripts: 5 prime UTR variant (4), non-coding transcript variant (1).
Genome position (GRCh38, 1-based): chr3:45,913,146, T>C on the plus strand (A>G on the coding strand, the complement: LZTFL1 is on the minus strand). VCF-style: chr3-45913146-T-C. GRCh37 (hg19) VCF-style: chr3-45954638-T-C.
Other names: c.1A>G, p.Met1Val (NM_001405925.1, NM_001405920.1, NM_001405921.1); c.-203A>G (NM_001405926.1, NM_001405923.1); c.-164A>G (NM_001405927.1, NM_001276378.2); short protein forms M1V.
Identifiers: ClinVar variation 4977102 (VCV004977102.1).